The following is an entry in ClinVar:

NM_001365951.3(KIF1B):c.5375A>G (p.Tyr1792Cys)

Gene: KIF1B (kinesin family member 1B; plus strand). Cytogenetic location: 1p36.22.
Variant type: single nucleotide variant.
Coding change: c.5375A>G on transcript NM_001365951.3 (MANE Select); coding-DNA position 5375, A replaced by G.
Protein change: p.Tyr1792Cys; replaces tyrosine 1792 with cysteine.
Molecular consequence: missense variant.
Genome position (GRCh38, 1-based): chr1:10,375,340, A>G. VCF-style: chr1-10375340-A-G. GRCh37 (hg19) VCF-style: chr1-10435398-A-G.
Other names: c.5375A>G, p.Tyr1792Cys (NM_001365952.1); c.5237A>G, p.Tyr1746Cys (NM_015074.3); short protein forms Y1792C, Y1746C.
Identifiers: ClinVar variation 1746260 (VCV001746260.2), dbSNP rs1385632404, ClinGen allele CA338331990.

ClinVar aggregate classification (germline): Uncertain significance (1 of 4 stars; one submission).

Allele frequency attached by ClinVar (database versions not stated): TOPMed below 0.00001.

Submission:

Ambry Genetics
Classification: Uncertain significance. Last evaluated: 2021-01-27. Review status: criteria provided, single submitter. Criteria: Ambry Variant Classification Scheme 2023. Collection method: clinical testing. Allele origin: germline.
Comment: The p.Y1746C variant (also known as c.5237A>G), located in coding exon 45 of the KIF1B gene, results from an A to G substitution at nucleotide position 5237. The tyrosine at codon 1746 is replaced by cysteine, an amino acid with highly dissimilar properties. This amino acid position is highly conserved in available vertebrate species. In addition, the in silico prediction for this alteration is inconclusive. Since supporting evidence is limited at this time, the clinical significance of this alteration remains unclear.